The following is an entry in ClinVar:

NM_001199799.2(ILDR1):c.1159T>C (p.Ser387Pro)

Gene: ILDR1 (immunoglobulin like domain containing receptor 1; minus strand). Cytogenetic location: 3q13.33.
Variant type: single nucleotide variant.
Coding change: c.1159T>C on transcript NM_001199799.2 (MANE Select); coding-DNA position 1159, T replaced by C.
Protein change: p.Ser387Pro; replaces serine 387 with proline.
Molecular consequence: missense variant.
Genome position (GRCh38, 1-based): chr3:121,993,590, A>G on the plus strand (T>C on the coding strand, the complement: ILDR1 is on the minus strand). VCF-style: chr3-121993590-A-G. GRCh37 (hg19) VCF-style: chr3-121712437-A-G.
Other names: c.892T>C, p.Ser298Pro (NM_001199800.2); c.1027T>C, p.Ser343Pro (NM_175924.4); short protein forms S387P, S343P, S298P.
Identifiers: ClinVar variation 178382 (VCV000178382.9), dbSNP rs150250182, ClinGen allele CA182223.

ClinVar aggregate classification (germline): Conflicting classifications of pathogenicity. Review status: criteria provided, conflicting classifications (1 of 4 stars). 4 submissions from 4 submitters: Uncertain significance (1); Likely benign (3). Last evaluated 2024-11-18.

Allele frequency attached by ClinVar (database versions not stated): ESP Exome Variant Server 0.00015; gnomAD 0.00028 and 0.00029; TOPMed 0.00028; gnomAD exomes 0.00030 and 0.00048; ExAC 0.00053.
gnomAD v4.1: 511 of 1,614,122 alleles (0.032%); highest among the groups gnomAD compares: Middle Eastern, 0.87%; 3 homozygotes.

Submissions (4):

Labcorp Genetics (formerly Invitae), Labcorp
Classification: Uncertain significance. Last evaluated: 2024-11-18. Review status: criteria provided, single submitter. Criteria: Invitae Variant Classification Sherloc (09022015). Collection method: clinical testing. Allele origin: germline.
Comment: This sequence change replaces serine, which is neutral and polar, with proline, which is neutral and non-polar, at codon 387 of the ILDR1 protein (p.Ser387Pro). This variant is present in population databases (rs150250182, gnomAD 0.1%), and has an allele count higher than expected for a pathogenic variant. This variant has not been reported in the literature in individuals affected with ILDR1-related conditions. ClinVar contains an entry for this variant (Variation ID: 178382). An algorithm developed to predict the effect of missense changes on protein structure and function outputs the following: PolyPhen-2: "Benign". The proline amino acid residue is found in multiple mammalian species, which suggests that this missense change does not adversely affect protein function. In summary, the available evidence is currently insufficient to determine the role of this variant in disease. Therefore, it has been classified as a Variant of Uncertain Significance.

GeneDx
Classification: Likely benign. Last evaluated: 2021-09-16. Review status: criteria provided, single submitter. Criteria: GeneDx Variant Classification Process June 2021. Collection method: clinical testing. Allele origin: germline. Affected: yes.
Comment: This variant is associated with the following publications: (PMID: 28322503)

Laboratory for Molecular Medicine, Mass General Brigham Personalized Medicine
Classification: Likely benign. Last evaluated: 2016-04-18. Review status: criteria provided, single submitter. Criteria: LMM Criteria. Collection method: clinical testing. Allele origin: germline. Observed: 5 variant alleles.
Comment: p.Ser387Pro in Exon 7 of ILDR1: This variant is not expected to have clinical si gnificance due to a lack of conservation across species with several mammals hav ing this variant (Pro) at this position. In addition, computational prediction t ools do not suggest a high likelihood of impact to the protein, and it has been across several populations with a highest frequency of 0.1% (19/16512) of South Asian chromosomes by the Exome Aggregation Consortium (ExAC; dbSNP rs150250182).

Breakthrough Genomics
Classification: Likely benign. Review status: criteria provided, single submitter. Criteria: ACMG Guidelines, 2015. Collection method: not provided. Allele origin: germline. Inheritance: Autosomal recessive inheritance. Affected: yes.